The following is an entry in ClinVar:

ClinVar aggregate classification (germline): Uncertain significance (1 of 4 stars; one submission).

Conditions:
Ataxia-telangiectasia syndrome (AT). Also called: ATAXIA-TELANGIECTASIA, COMPLEMENTATION GROUP A; ATAXIA-TELANGIECTASIA, FRESNO VARIANT; LOUIS-BAR SYNDROME; Ataxia-telangiectasia; Cerebello-oculocutaneous telangiectasia; Immunodeficiency with ataxia telangiectasia. Identifiers: Orphanet 100, MedGen C0004135, MONDO:0008840, OMIM 208900.

Submission:

Labcorp Genetics (formerly Invitae), Labcorp
Classification: Uncertain significance for Ataxia-telangiectasia syndrome. Last evaluated: 2025-07-28. Review status: criteria provided, single submitter. Criteria: Invitae Variant Classification Sherloc (09022015). Collection method: clinical testing. Allele origin: germline.
Comment: This sequence change replaces leucine, which is neutral and non-polar, with phenylalanine, which is neutral and non-polar, at codon 150 of the ATM protein (p.Leu150Phe). This variant is not present in population databases (gnomAD no frequency). This variant has not been reported in the literature in individuals affected with ATM-related conditions. ClinVar contains an entry for this variant (Variation ID: 1475507). Invitae Evidence Modeling of protein sequence and biophysical properties (such as structural, functional, and spatial information, amino acid conservation, physicochemical variation, residue mobility, and thermodynamic stability) indicates that this missense variant is not expected to disrupt ATM protein function with a negative predictive value of 95%. In summary, the available evidence is currently insufficient to determine the role of this variant in disease. Therefore, it has been classified as a Variant of Uncertain Significance.

NM_000051.4(ATM):c.448C>T (p.Leu150Phe)

Gene: ATM (ATM serine/threonine kinase; plus strand). Cytogenetic location: 11q22.3.
Variant type: single nucleotide variant.
Coding change: c.448C>T on transcript NM_000051.4 (MANE Select); coding-DNA position 448, C replaced by T.
Protein change: p.Leu150Phe; replaces leucine 150 with phenylalanine.
Molecular consequence: missense variant.
Genome position (GRCh38, 1-based): chr11:108,235,786, C>T. VCF-style: chr11-108235786-C-T. GRCh37 (hg19) VCF-style: chr11-108106513-C-T.
Other names: c.448C>T, p.Leu150Phe (NM_001351834.2); short protein forms L150F.
Identifiers: ClinVar variation 1475507 (VCV001475507.6), dbSNP rs1555059404, ClinGen allele CA382525330.